The following is an entry in ClinVar:

NM_000515.5(GH1):c.263C>G (p.Ser88Cys)

Genes: GH-LCR (growth hormone locus control region; plus strand), GH1 (growth hormone 1; minus strand). Cytogenetic location: 17q23.3.
Variant type: single nucleotide variant.
Coding change: c.263C>G on transcript NM_000515.5 (MANE Select); coding-DNA position 263, C replaced by G.
Protein change: p.Ser88Cys; replaces serine 88 with cysteine.
Molecular consequence: missense variant. On other transcripts: intron variant (1).
Genome position (GRCh38, 1-based): chr17:63,918,045, G>C on the plus strand (C>G on the coding strand, the complement: GH1 is on the minus strand). VCF-style: chr17-63918045-G-C. GRCh37 (hg19) VCF-style: chr17-61995405-G-C.
Other names: c.218C>G, p.Ser73Cys (NM_022559.4); c.172-121C>G (NM_022560.4); short protein forms S73C, S88C.
Identifiers: ClinVar variation 4840257 (VCV004840257.1).

ClinVar aggregate classification (germline): Uncertain significance (1 of 4 stars; one submission).

Conditions:
Inborn genetic diseases. Identifiers: MedGen C0950123, MeSH D030342.

Submission:

Ambry Genetics
Classification: Uncertain significance for Inborn genetic diseases. Last evaluated: 2026-02-23. Review status: criteria provided, single submitter. Criteria: Ambry Variant Classification Scheme 2023. Collection method: clinical testing. Allele origin: germline.
Comment: The c.263C>G (p.S88C) alteration is located in exon 3 (coding exon 3) of the GH1 gene. This alteration results from a C to G substitution at nucleotide position 263, causing the serine (S) at amino acid position 88 to be replaced by a cysteine (C). Based on data from gnomAD, the G allele has an overall frequency of 0.001% (2/251458) total alleles studied. The highest observed frequency was 0.006% (1/16256) of African alleles. Based on insufficient or conflicting evidence, the clinical significance of this alteration remains unclear.